The following is an entry in ClinVar:

NM_007129.5(ZIC2):c.1156del (p.Val386fs)

Gene: ZIC2 (Zic family zinc finger 2; plus strand). Cytogenetic location: 13q32.3.
Variant type: Deletion.
Coding change: c.1156del on transcript NM_007129.5 (MANE Select); coding-DNA position 1156, one base deleted (G; older notation c.1156delG).
Protein change: p.Val386fs; shifts the reading frame from valine 386.
Molecular consequence: frameshift variant.
Genome position (GRCh38, 1-based): chr13:99,985,026, G deleted. VCF-style (leftmost placement, unchanged base first): chr13-99985025-CG-C. GRCh37 (hg19) VCF-style: chr13-100637279-CG-C.
Other names: short protein forms V386fs.
Identifiers: ClinVar variation 1435952 (VCV001435952.6), dbSNP rs2152163567, ClinGen allele CA2573149784.

ClinVar aggregate classification (germline): Pathogenic (1 of 4 stars; one submission).

Conditions:
Holoprosencephaly 5 (HPE5). Identifiers: Orphanet 2162, MedGen C1864827, MONDO:0012322, OMIM 609637.

Submission:

Labcorp Genetics (formerly Invitae), Labcorp
Classification: Pathogenic for Holoprosencephaly 5. Last evaluated: 2022-07-06. Review status: criteria provided, single submitter. Criteria: Invitae Variant Classification Sherloc (09022015). Collection method: clinical testing. Allele origin: germline.
Comment: For these reasons, this variant has been classified as Pathogenic. This variant disrupts a region of the ZIC2 protein in which other variant(s) (p.Lys410_His411del) have been determined to be pathogenic (Invitae). This suggests that this is a clinically significant region of the protein, and that variants that disrupt it are likely to be disease-causing. ClinVar contains an entry for this variant (Variation ID: 1435952). This variant has not been reported in the literature in individuals affected with ZIC2-related conditions. This variant is not present in population databases (gnomAD no frequency). This sequence change creates a premature translational stop signal (p.Val386Serfs*27) in the ZIC2 gene. While this is not anticipated to result in nonsense mediated decay, it is expected to disrupt the last 147 amino acid(s) of the ZIC2 protein.